The following is an entry in ClinVar:

ClinVar aggregate classification (germline): Uncertain significance. Review status: criteria provided, multiple submitters, no conflicts (2 of 4 stars). 2 submissions from 2 submitters: Uncertain significance (2). Last evaluated 2025-09-04.

Conditions:
Hereditary cancer-predisposing syndrome. Also called: Hereditary neoplastic syndrome; Neoplastic Syndromes, Hereditary; Hereditary Cancer Syndrome; Tumor predisposition. Identifiers: Orphanet 140162, MedGen C0027672, MeSH D009386, MONDO:0015356.
Rhabdoid tumor predisposition syndrome 2 (RTPS2). Identifiers: Orphanet 231108, Orphanet 69077, MedGen C2750074, MONDO:0013224, OMIM 613325.

Submissions (2):

Ambry Genetics
Classification: Uncertain significance for Hereditary cancer-predisposing syndrome. Last evaluated: 2025-09-04. Review status: criteria provided, single submitter. Criteria: Ambry Variant Classification Scheme 2023. Collection method: clinical testing. Allele origin: germline.
Comment: The p.S1484F variant (also known as c.4451C>T), located in coding exon 30 of the SMARCA4 gene, results from a C to T substitution at nucleotide position 4451. The serine at codon 1484 is replaced by phenylalanine, an amino acid with highly dissimilar properties. This amino acid position is conserved. In addition, the in silico prediction for this alteration is inconclusive. Based on the available evidence, the clinical significance of this variant remains unclear.

Labcorp Genetics (formerly Invitae), Labcorp
Classification: Uncertain significance for Rhabdoid tumor predisposition syndrome 2. Last evaluated: 2022-12-06. Review status: criteria provided, single submitter. Criteria: Invitae Variant Classification Sherloc (09022015). Collection method: clinical testing. Allele origin: germline.
Comment: In summary, the available evidence is currently insufficient to determine the role of this variant in disease. Therefore, it has been classified as a Variant of Uncertain Significance. Algorithms developed to predict the effect of missense changes on protein structure and function (SIFT, PolyPhen-2, Align-GVGD) all suggest that this variant is likely to be disruptive. ClinVar contains an entry for this variant (Variation ID: 1718466). This variant has not been reported in the literature in individuals affected with SMARCA4-related conditions. This variant is not present in population databases (gnomAD no frequency). This sequence change replaces serine, which is neutral and polar, with phenylalanine, which is neutral and non-polar, at codon 1484 of the SMARCA4 protein (p.Ser1484Phe).

NM_003072.5(SMARCA4):c.4355C>T (p.Ser1452Phe)

Gene: SMARCA4 (SWI/SNF related BAF chromatin remodeling complex subunit ATPase 4; plus strand). Cytogenetic location: 19p13.2.
Variant type: single nucleotide variant.
Coding change: c.4355C>T on transcript NM_003072.5 (MANE Select); coding-DNA position 4355, C replaced by T.
Protein change: p.Ser1452Phe; replaces serine 1452 with phenylalanine.
Molecular consequence: missense variant. On other transcripts: non-coding transcript variant (1).
Genome position (GRCh38, 1-based): chr19:11,041,491, C>T. VCF-style: chr19-11041491-C-T. GRCh37 (hg19) VCF-style: chr19-11152167-C-T.
Other names: c.4355C>T, p.Ser1452Phe (NM_001128844.3); c.4265C>T, p.Ser1422Phe (NM_001128845.2, NM_001128846.2); c.4256C>T, p.Ser1419Phe (NM_001128847.4, NM_001128848.2, NM_001374457.1); c.4451C>T, p.Ser1484Phe (NM_001128849.3, NM_001387283.1); c.4352C>T, p.Ser1451Phe (NM_001411150.1); c.4451C>T (NM_001128849.1); short protein forms S1419F, S1422F, S1451F, S1452F, S1484F.
Identifiers: ClinVar variation 1718466 (VCV001718466.6), dbSNP rs2146820921, ClinGen allele CA404073974.